The following is an entry in ClinVar:

NM_002633.3(PGM1):c.152A>G (p.Gln51Arg)

Genes: PGM1 (phosphoglucomutase 1; plus strand), LOC129930668 (ATAC-STARR-seq lymphoblastoid active region 1127; plus strand). Cytogenetic location: 1p31.3.
Variant type: single nucleotide variant.
Coding change: c.152A>G on transcript NM_002633.3 (MANE Select); coding-DNA position 152, A replaced by G.
Protein change: p.Gln51Arg; replaces glutamine 51 with arginine.
Molecular consequence: missense variant.
Genome position (GRCh38, 1-based): chr1:63,593,640, A>G. VCF-style: chr1-63593640-A-G. GRCh37 (hg19) VCF-style: chr1-64059311-A-G.
Other names: short protein forms Q51R.
Identifiers: ClinVar variation 2010104 (VCV002010104.4), dbSNP rs2523789091, ClinGen allele CA340639216.

ClinVar aggregate classification (germline): Uncertain significance (1 of 4 stars; one submission).

Conditions:
PGM1-congenital disorder of glycosylation. Also called: Congenital disorder of glycosylation type 1t; PHOSPHOGLUCOMUTASE 1 DEFICIENCY; PGM1 DEFICIENCY; GLYCOGEN STORAGE DISEASE XIV; GSD XIV; CDG It. Identifiers: Orphanet 319646, MedGen C2752015, MONDO:0013968, OMIM 614921.

Submission:

Labcorp Genetics (formerly Invitae), Labcorp
Classification: Uncertain significance for PGM1-congenital disorder of glycosylation. Last evaluated: 2024-04-08. Review status: criteria provided, single submitter. Criteria: Invitae Variant Classification Sherloc (09022015). Collection method: clinical testing. Allele origin: germline.
Comment: This sequence change replaces glutamine, which is neutral and polar, with arginine, which is basic and polar, at codon 51 of the PGM1 protein (p.Gln51Arg). This variant is not present in population databases (gnomAD no frequency). This variant has not been reported in the literature in individuals affected with PGM1-related conditions. ClinVar contains an entry for this variant (Variation ID: 2010104). Advanced modeling of protein sequence and biophysical properties (such as structural, functional, and spatial information, amino acid conservation, physicochemical variation, residue mobility, and thermodynamic stability) performed at Invitae indicates that this missense variant is not expected to disrupt PGM1 protein function with a negative predictive value of 80%. In summary, the available evidence is currently insufficient to determine the role of this variant in disease. Therefore, it has been classified as a Variant of Uncertain Significance.